The following is an entry in ClinVar:

ClinVar aggregate classification (germline): Conflicting classifications of pathogenicity. Review status: criteria provided, conflicting classifications (1 of 4 stars). 2 submissions from 2 submitters: Uncertain significance (1); Benign (1). Last evaluated 2026-01-06.

Allele frequency attached by ClinVar (database versions not stated): gnomAD 0.00002 and 0.00005; gnomAD exomes 0.00002 and 0.00011; TOPMed 0.00002; ExAC 0.00012; 1000 Genomes Project 30x 0.00062; 1000 Genomes Project 0.00080.
gnomAD v4.1: 52 of 1,614,242 alleles (0.0032%); highest among the groups gnomAD compares: East Asian, 0.038%; no homozygotes.

Submissions (2):

Labcorp Genetics (formerly Invitae), Labcorp
Classification: Uncertain significance. Last evaluated: 2026-01-06. Review status: criteria provided, single submitter. Criteria: Invitae Variant Classification Sherloc (09022015). Collection method: clinical testing. Allele origin: germline.
Comment: This sequence change replaces aspartic acid, which is acidic and polar, with asparagine, which is neutral and polar, at codon 1163 of the ASXL1 protein (p.Asp1163Asn). This variant is present in population databases (rs371131434, gnomAD 0.08%), and has an allele count higher than expected for a pathogenic variant. This variant has not been reported in the literature in individuals affected with ASXL1-related conditions. ClinVar contains an entry for this variant (Variation ID: 1241831). An algorithm developed to predict the effect of missense changes on protein structure and function (PolyPhen-2) suggests that this variant is likely to be tolerated. In summary, the available evidence is currently insufficient to determine the role of this variant in disease. Therefore, it has been classified as a Variant of Uncertain Significance.

GeneDx
Classification: Benign. Last evaluated: 2020-10-27. Review status: criteria provided, single submitter. Criteria: GeneDx Variant Classification Process June 2021. Collection method: clinical testing. Allele origin: germline. Affected: yes.

NM_015338.6(ASXL1):c.3487G>A (p.Asp1163Asn)

Gene: ASXL1 (ASXL transcriptional regulator 1; plus strand). Cytogenetic location: 20q11.21.
Variant type: single nucleotide variant.
Coding change: c.3487G>A on transcript NM_015338.6 (MANE Select); coding-DNA position 3487, G replaced by A.
Protein change: p.Asp1163Asn; replaces aspartic acid 1163 with asparagine.
Molecular consequence: missense variant.
Genome position (GRCh38, 1-based): chr20:32,436,199, G>A. VCF-style: chr20-32436199-G-A. GRCh37 (hg19) VCF-style: chr20-31024002-G-A.
Other names: c.3304G>A, p.Asp1102Asn (NM_001363734.1); short protein forms D1102N, D1163N.
Identifiers: ClinVar variation 1241831 (VCV001241831.7), dbSNP rs371131434, ClinGen allele CA9808839.